The following is an entry in ClinVar:

ClinVar aggregate classification (germline): Uncertain significance. Review status: criteria provided, multiple submitters, no conflicts (2 of 4 stars). 2 submissions from 2 submitters: Uncertain significance (2). Last evaluated 2024-06-03.

Conditions:
Cardiovascular phenotype. Identifiers: MedGen CN230736.
Hereditary cancer-predisposing syndrome. Also called: Hereditary Cancer Syndrome; Hereditary neoplastic syndrome; Neoplastic Syndromes, Hereditary; Tumor predisposition. Identifiers: Orphanet 140162, MedGen C0027672, MeSH D009386, MONDO:0015356.
Neurofibromatosis, type 1 (NF1). Also called: Peripheral type neurofibromatosis; VON RECKLINGHAUSEN DISEASE; Neurofibromatosis, type I; NEUROFIBROMATOSIS, TYPE I, SOMATIC. Identifiers: Orphanet 636, MedGen C0027831, MONDO:0018975, OMIM 162200. Disease mechanism: loss of function.

Submissions (2):

Labcorp Genetics (formerly Invitae), Labcorp
Classification: Uncertain significance for Neurofibromatosis, type 1. Last evaluated: 2024-06-03. Review status: criteria provided, single submitter. Criteria: Invitae Variant Classification Sherloc (09022015). Collection method: clinical testing. Allele origin: germline.
Comment: This sequence change replaces leucine, which is neutral and non-polar, with valine, which is neutral and non-polar, at codon 1986 of the NF1 protein (p.Leu1986Val). This variant is not present in population databases (gnomAD no frequency). This variant has not been reported in the literature in individuals affected with NF1-related conditions. Advanced modeling of protein sequence and biophysical properties (such as structural, functional, and spatial information, amino acid conservation, physicochemical variation, residue mobility, and thermodynamic stability) performed at Invitae indicates that this missense variant is expected to disrupt NF1 protein function with a positive predictive value of 95%. In summary, the available evidence is currently insufficient to determine the role of this variant in disease. Therefore, it has been classified as a Variant of Uncertain Significance.

Ambry Genetics
Classification: Uncertain significance for Cardiovascular phenotype; Hereditary cancer-predisposing syndrome. Last evaluated: 2023-11-20. Review status: criteria provided, single submitter. Criteria: Ambry Variant Classification Scheme 2023. Collection method: clinical testing. Allele origin: germline.
Comment: The p.L1986V variant (also known as c.5956C>G), located in coding exon 40 of the NF1 gene, results from a C to G substitution at nucleotide position 5956. The leucine at codon 1986 is replaced by valine, an amino acid with highly similar properties. This amino acid position is conserved. In addition, this alteration is predicted to be deleterious by in silico analysis. Since supporting evidence is limited at this time, the clinical significance of this alteration remains unclear.

NM_001042492.3(NF1):c.6019C>G (p.Leu2007Val)

Gene: NF1 (neurofibromin 1; plus strand). Cytogenetic location: 17q11.2.
Variant type: single nucleotide variant.
Coding change: c.6019C>G on transcript NM_001042492.3 (MANE Select); coding-DNA position 6019, C replaced by G.
Protein change: p.Leu2007Val; replaces leucine 2007 with valine.
Molecular consequence: missense variant.
Genome position (GRCh38, 1-based): chr17:31,336,345, C>G. VCF-style: chr17-31336345-C-G. GRCh37 (hg19) VCF-style: chr17-29663363-C-G.
Other names: c.5956C>G, p.Leu1986Val (NM_000267.4); short protein forms L1986V, L2007V.
Identifiers: ClinVar variation 2699392 (VCV002699392.4), dbSNP rs2151553186, ClinGen allele CA399011021.